The following is an entry in ClinVar:

NM_017654.4(SAMD9):c.3887T>G (p.Val1296Gly)

Gene: SAMD9 (sterile alpha motif domain containing 9; minus strand). Cytogenetic location: 7q21.2.
Variant type: single nucleotide variant.
Coding change: c.3887T>G on transcript NM_017654.4 (MANE Select); coding-DNA position 3887, T replaced by G.
Protein change: p.Val1296Gly; replaces valine 1296 with glycine.
Molecular consequence: missense variant.
Genome position (GRCh38, 1-based): chr7:93,102,211, A>C on the plus strand (T>G on the coding strand, the complement: SAMD9 is on the minus strand). VCF-style: chr7-93102211-A-C. GRCh37 (hg19) VCF-style: chr7-92731524-A-C.
Other names: c.3887T>G, p.Val1296Gly (NM_001193307.2); short protein forms V1296G.
Identifiers: ClinVar variation 2505935 (VCV002505935.3), dbSNP rs562819331, ClinGen allele CA4342620.

ClinVar aggregate classification (germline): Uncertain significance. Review status: criteria provided, multiple submitters, no conflicts (2 of 4 stars). 3 submissions from 3 submitters: Uncertain significance (3). Last evaluated 2025-05-19.

Conditions:
Inborn genetic diseases. Identifiers: MedGen C0950123, MeSH D030342.

Allele frequency attached by ClinVar (database versions not stated): gnomAD exomes below 0.00001; ExAC 0.00001; gnomAD 0.00001; TOPMed 0.00002; 1000 Genomes Project 0.00020; 1000 Genomes Project 30x 0.00031.
gnomAD v4.1: 5 of 1,613,608 alleles (0.00031%); highest among the groups gnomAD compares: Admixed American, 0.005%; no homozygotes.

Submissions (3):

Ambry Genetics
Classification: Uncertain significance for Inborn genetic diseases. Last evaluated: 2025-05-19. Review status: criteria provided, single submitter. Criteria: Ambry Variant Classification Scheme 2023. Collection method: clinical testing. Allele origin: germline.
Comment: The p.V1296G variant (also known as c.3887T>G), located in coding exon 1 of the SAMD9 gene, results from a T to G substitution at nucleotide position 3887. The valine at codon 1296 is replaced by glycine, an amino acid with dissimilar properties. This amino acid position is conserved. In addition, this alteration is predicted to be tolerated by in silico analysis. Based on the available evidence, the clinical significance of this variant remains unclear.

Labcorp Genetics (formerly Invitae), Labcorp
Classification: Uncertain significance. Last evaluated: 2025-02-09. Review status: criteria provided, single submitter. Criteria: Invitae Variant Classification Sherloc (09022015). Collection method: clinical testing. Allele origin: germline.
Comment: This sequence change replaces valine, which is neutral and non-polar, with glycine, which is neutral and non-polar, at codon 1296 of the SAMD9 protein (p.Val1296Gly). This variant is present in population databases (rs562819331, gnomAD 0.007%). This variant has not been reported in the literature in individuals affected with SAMD9-related conditions. ClinVar contains an entry for this variant (Variation ID: 2505935). Invitae Evidence Modeling of protein sequence and biophysical properties (such as structural, functional, and spatial information, amino acid conservation, physicochemical variation, residue mobility, and thermodynamic stability) indicates that this missense variant is not expected to disrupt SAMD9 protein function with a negative predictive value of 95%. In summary, the available evidence is currently insufficient to determine the role of this variant in disease. Therefore, it has been classified as a Variant of Uncertain Significance.

GeneDx
Classification: Uncertain significance. Last evaluated: 2022-12-13. Review status: criteria provided, single submitter. Criteria: GeneDx Variant Classification Process June 2021. Collection method: clinical testing. Allele origin: germline. Affected: yes.
Comment: Not observed at significant frequency in large population cohorts (gnomAD); In silico analysis supports that this missense variant has a deleterious effect on protein structure/function; Has not been previously published as pathogenic or benign to our knowledge